The following is an entry in ClinVar:

ClinVar aggregate classification (germline): Uncertain significance (1 of 4 stars; one submission).

Conditions:
Early Myoclonic Encephalopathy. Identifiers: MedGen C0270855.

Submission:

Labcorp Genetics (formerly Invitae), Labcorp
Classification: Uncertain significance for Early Myoclonic Encephalopathy. Last evaluated: 2019-01-08. Review status: criteria provided, single submitter. Criteria: Invitae Variant Classification Sherloc (09022015). Collection method: clinical testing. Allele origin: germline.
Comment: In summary, the available evidence is currently insufficient to determine the role of this variant in disease. Therefore, it has been classified as a Variant of Uncertain Significance. Algorithms developed to predict the effect of missense changes on protein structure and function (SIFT, PolyPhen-2, Align-GVGD) all suggest that this variant is likely to be tolerated, but these predictions have not been confirmed by published functional studies and their clinical significance is uncertain. This variant has not been reported in the literature in individuals with JMJD1C-related conditions. This variant is not present in population databases (ExAC no frequency). This sequence change replaces arginine with histidine at codon 27 of the JMJD1C protein (p.Arg27His). The arginine residue is weakly conserved and there is a small physicochemical difference between arginine and histidine.

NM_032776.3(JMJD1C):c.80_81delinsAT (p.Arg27His)

Genes: JMJD1C (jumonji domain containing 1C; minus strand), JMJD1C-AS1 (JMJD1C antisense RNA 1; plus strand). Cytogenetic location: 10q21.3.
Variant type: Indel.
Coding change: c.80_81delinsAT on transcript NM_032776.3 (MANE Select); coding-DNA positions 80 to 81, GC replaced by AT.
Protein change: p.Arg27His; replaces arginine 27 with histidine.
Molecular consequence: missense variant. On other transcripts: non-coding transcript variant (1), intron variant (2).
Genome position (GRCh38, 1-based): chr10:63,465,582-63,465,583, GC replaced by AT on the plus strand (GC replaced by AT on the coding strand, the reverse complement: JMJD1C is on the minus strand). VCF-style: chr10-63465582-GC-AT. GRCh37 (hg19) VCF-style: chr10-65225342-GC-AT.
Other names: c.80_81delinsAT, p.Arg27His (NM_001322252.2); c.-384+56155_-384+56156delinsAT (NM_001322258.2); c.-379+56155_-379+56156delinsAT (NM_001318154.2); short protein forms R27H.
Identifiers: ClinVar variation 852901 (VCV000852901.8), dbSNP rs1953188817, ClinGen allele CA916083134.
Genomic context (GRCh38, chr10:63,465,582, plus strand): 5'-GTGTGACACGGCTCGGATGACCCCCGCTCGCCAGCTTCGCCAGCCGCGTCCGCTCTCCCA[GC>AT]GCTCCGAACGTGCCTCGTCGCCGACCGCCACACACAGGAACCGCTTACCCACCAGCTCTG-3'
Protein context (NP_116165.1, residues 17-37): VAVGDEARSE[Arg27His]WESGRGWRSW